The following is an entry in ClinVar:

NM_006343.3(MERTK):c.791C>G (p.Ala264Gly)

Gene: MERTK (MER proto-oncogene, tyrosine kinase; plus strand). Cytogenetic location: 2q13.
Variant type: single nucleotide variant.
Coding change: c.791C>G on transcript NM_006343.3 (MANE Select); coding-DNA position 791, C replaced by G.
Protein change: p.Ala264Gly; replaces alanine 264 with glycine.
Molecular consequence: missense variant.
Genome position (GRCh38, 1-based): chr2:111,965,224, C>G. VCF-style: chr2-111965224-C-G. GRCh37 (hg19) VCF-style: chr2-112722801-C-G.
Other names: short protein forms A264G.
Identifiers: ClinVar variation 197784 (VCV000197784.17), dbSNP rs199779970, ClinGen allele CA246114.

ClinVar aggregate classification (germline): Conflicting classifications of pathogenicity. Review status: criteria provided, conflicting classifications (1 of 4 stars). 6 submissions from 6 submitters: Uncertain significance (4); Likely benign (2). Last evaluated 2026-06-20.

Conditions:
MERTK-related disorder. Also called: MERTK-related condition.
Retinal dystrophy. Also called: Inherited retinal dystrophy. Identifiers: Orphanet 71862, MedGen C0854723, MeSH D058499, MONDO:0019118, HP:0000556.

Allele frequency attached by ClinVar (database versions not stated): ESP Exome Variant Server 0.00015; TOPMed 0.00028; gnomAD 0.00031 and 0.00033; gnomAD exomes 0.00039; 1000 Genomes Project 0.00040; ExAC 0.00043; 1000 Genomes Project 30x 0.00047.
gnomAD v4.1: 555 of 1,614,180 alleles (0.034%); highest among the groups gnomAD compares: South Asian, 0.076%; 1 homozygote.

Submissions (6):

PreventionGenetics, part of Exact Sciences
Classification: Uncertain significance for MERTK-related condition. Last evaluated: 2026-06-20. Review status: criteria provided, single submitter. Criteria: ACMG Guidelines, 2015. Collection method: clinical testing. Allele origin: germline.
Comment: The MERTK c.791C>G variant is predicted to result in the amino acid substitution p.Ala264Gly. This variant has been reported in an individual with retinitis pigmentosa, who had two other causative EYS variants, and in an individual with Stargardt disease, who had variants in other related genes (Eisenberger et al. 2013. PubMed ID: 24265693; Supplementary Table 1, Tiwari et al. 2016. PubMedID: 27353947). This variant is present in 0.072% of alleles in individuals of South Asian descent in gnomAD, including 1 homozygote in v4.1.0. Although we suspect that this variant may be benign, at this time, the clinical significance of this variant is uncertain due to the absence of conclusive functional and genetic evidence.

CeGaT Center for Human Genetics Tuebingen
Classification: Likely benign. Last evaluated: 2026-02-01. Review status: criteria provided, single submitter. Criteria: CeGaT Center For Human Genetics Tuebingen Variant Classification Criteria Version 2. Collection method: clinical testing. Allele origin: germline. Affected: yes. Observed: 1 variant allele.
Comment: MERTK: BP5

Blueprint Genetics
Classification: Likely benign. Last evaluated: 2024-09-16. Review status: criteria provided, single submitter. Criteria: ACMG Guidelines, 2015. Collection method: clinical testing. Allele origin: germline.

Institute of Human Genetics, Univ. Regensburg, Univ. Regensburg
Classification: Uncertain significance for Retinal dystrophy. Last evaluated: 2023-01-01. Review status: criteria provided, single submitter. Criteria: ACMG Guidelines, 2015. Collection method: clinical testing. Allele origin: germline. Affected: yes.

Labcorp Genetics (formerly Invitae), Labcorp
Classification: Uncertain significance. Last evaluated: 2022-10-13. Review status: criteria provided, single submitter. Criteria: Invitae Variant Classification Sherloc (09022015). Collection method: clinical testing. Allele origin: germline.
Comment: This sequence change replaces alanine, which is neutral and non-polar, with glycine, which is neutral and non-polar, at codon 264 of the MERTK protein (p.Ala264Gly). This variant is present in population databases (rs199779970, gnomAD 0.07%). This missense change has been observed in individual(s) with retinitis pigmentosa. However, this individual also carried 2 variants in a different recessive gene associated with retinitis pigmentosa, suggesting this variant may not be a primary cause of disease (PMID: 24265693). ClinVar contains an entry for this variant (Variation ID: 197784). Advanced modeling of protein sequence and biophysical properties (such as structural, functional, and spatial information, amino acid conservation, physicochemical variation, residue mobility, and thermodynamic stability) performed at Invitae indicates that this missense variant is expected to disrupt MERTK protein function. In summary, the available evidence is currently insufficient to determine the role of this variant in disease. Therefore, it has been classified as a Variant of Uncertain Significance.

Eurofins Ntd Llc (ga)
Classification: Uncertain significance. Last evaluated: 2015-03-16. Review status: criteria provided, single submitter. Criteria: EGL Classification Definitions 2015. Collection method: clinical testing. Allele origin: germline. Observed: 1 variant allele, 1 heterozygote.

Literature cited by the submitters: PubMed 24265693 (cited by Institute of Human Genetics, Univ. Regensburg, Univ. Regensburg and Labcorp Genetics (formerly Invitae), Labcorp).